The following is an entry in ClinVar:

NM_000551.4(VHL):c.334T>C (p.Tyr112His)

Gene: VHL (von Hippel-Lindau tumor suppressor; plus strand). Cytogenetic location: 3p25.3.
Variant type: single nucleotide variant.
Coding change: c.334T>C on transcript NM_000551.4 (MANE Select); coding-DNA position 334, T replaced by C.
Protein change: p.Tyr112His; replaces tyrosine 112 with histidine.
Molecular consequence: missense variant.
Genome position (GRCh38, 1-based): chr3:10,142,181, T>C. VCF-style: chr3-10142181-T-C. GRCh37 (hg19) VCF-style: chr3-10183865-T-C.
Other names: NM_000551.4(VHL):c.334T>C; c.334T>C, p.Tyr112His (NM_001354723.2, NM_198156.3); short protein forms Y112H.
Identifiers: ClinVar variation 2222 (VCV000002222.19), dbSNP rs104893824, ClinGen allele CA020277.

ClinVar aggregate classification (germline): Pathogenic. Review status: reviewed by expert panel (3 of 4 stars). 9 submissions from 9 submitters: Pathogenic (1). 8 of the submissions do not count toward it. Last evaluated 2026-11-22.

Conditions:
VHL-related disorder. Also called: VHL-related condition.
Hereditary cancer-predisposing syndrome. Also called: Hereditary neoplastic syndrome; Neoplastic Syndromes, Hereditary; Tumor predisposition; Hereditary Cancer Syndrome. Identifiers: Orphanet 140162, MedGen C0027672, MeSH D009386, MONDO:0015356.
Von Hippel-Lindau syndrome (VHLS). Also called: von Hippel–Lindau syndrome; VHL syndrome; Von Hippel-Lindau. Identifiers: Orphanet 892, MedGen C0019562, MONDO:0008667, OMIM 193300. Disease mechanism: loss of function.
Chuvash polycythemia. Also called: POLYCYTHEMIA, VHL-DEPENDENT. Identifiers: Orphanet 238557, MedGen C1837915, MONDO:0009892, OMIM 263400.

Submissions (9):

ClinGen VHL Variant Curation Expert Panel, ClinGen
Classification: Pathogenic for Von Hippel-Lindau syndrome. Last evaluated: 2026-11-22. Review status: reviewed by expert panel. Criteria: ClinGen VHL ACMG Specifications VHL V1.1.0. Collection method: curation. Allele origin: germline. Inheritance: Autosomal dominant inheritance.
Comment: The NM_000551.4:c.334T>C (p.Y112H) (rs104893824) variant in VHL, in exon 1 of 3, is a missense variant predicted to cause substitution of Tyr by His at amino acid 112 (p.Tyr112His). The allele frequency in gnomAD v4.1 is absent, meeting PM2_Supporting. In-silico analysis produced a REVEL score of 0.851 (SIFT: Deleterious, PolyPhen: D), ≥ 0.664 the threshold, meeting PP3_Supporting. Functional studies using MAVE/SGE assay data (Buckley et al., Nat Genet 2024; via MaveDB (Rubin AF et al., MaveDB 2024, Genome Biol 2025;26:13); MaveDB: urn:mavedb:00000675-a-1) produced a score of -0.789 (q=0.000), indicating loss of function (PS3_Supporting). This variant resides within a VHL mutational hotspot or critical functional domain (PM1). The variant has been observed across at least 17 unique probands in the literature (PMIDs: 12114747, 8956040, 10458336, 9201016, 21713522, 8863170, 8863170, 9201016, 19238077; and ClinVar SCV000827068, SCV002607189, SCV000274805, SCV000918341). Clinically, reported probands presented with pheochromocytoma, retinal angioma, CNS/retinal hemangioblastoma, clear-cell renal cell carcinoma, and pancreatic lesions, consistent with the VHL tumour spectrum (totalling at least 7.25 proband points), PS4. In two studies, 2 families have been observed totalling 12 meioses (PMIDs: 21713522, 8863170), PP1. In summary, this variant meets the criteria to be classified as Pathogenic for autosomal-dominant von Hippel Lindau syndrome (VHL syndrome) based on the ACMG/AMP criteria applied, as specified by the ClinGen VHL VCEP Version 1.1.0 (Specifications approval date: 1/10/2025. Variant Approval Date 11/22/2026).

Myriad Genetics, Inc.
Classification: Likely pathogenic for Von Hippel-Lindau syndrome. Last evaluated: 2025-08-27. Review status: criteria provided, single submitter. Criteria: Myriad Autosomal Dominant, Autosomal Recessive and X-Linked Classification Criteria (2023). Collection method: clinical testing. Allele origin: unknown. Not counted in ClinVar's aggregate classification.
Comment: This variant is considered likely pathogenic. This variant has been reported in multiple individuals with clinical features of gene-specific disease [PMID: 21713522, 8863170, 18580449, 22517557, 19238077].

Ambry Genetics
Classification: Pathogenic for Hereditary cancer-predisposing syndrome. Last evaluated: 2025-03-05. Review status: criteria provided, single submitter. Criteria: Ambry Variant Classification Scheme 2023. Collection method: clinical testing. Allele origin: germline. Not counted in ClinVar's aggregate classification.
Comment: The p.Y112H pathogenic mutation (also known as c.334T>C), located in coding exon 1 of the VHL gene, results from a T to C substitution at nucleotide position 334. The tyrosine at codon 112 is replaced by histidine, an amino acid with similar properties. This variant has been associated with Type 2A VHL and reported to segregate with pheochromocytoma in two large families and has been found in another independent family affected with pheochromocytoma and angiomas (Tisherman SE et al. Arch Intern Med, 1993 Nov;153:2550-6; Chen F et al. Hum Mutat, 1995;5:66-75; Chen F et al. J Med Genet, 1996 Aug;33:716-7; Nielsen SM et al. Am J Med Genet A, 2011 Jan;155A:168-73). Experimental studies have shown that this alteration results in an intermediate degree of HIF regulation in VHL null murine embryonic stem cell expression system and also leads to an increased microvessel density in a mouse model for teratoma analysis (Rathmell WK et al. Cancer Res, 2004 Dec;64:8595-603; Hacker KE et al. PLoS One, 2008 Nov;3:e3801). Based on internal structural analysis, this variant is more disruptive than known pathogenic variants (Ambry internal data). This amino acid position is highly conserved in available vertebrate species. In addition, this alteration is predicted to be deleterious by in silico analysis. This variant is considered to be rare based on population cohorts in the Genome Aggregation Database (gnomAD). Based on the supporting evidence, this alteration is interpreted as a disease-causing mutation.

Labcorp Genetics (formerly Invitae), Labcorp
Classification: Pathogenic for Von Hippel-Lindau syndrome; Chuvash polycythemia. Last evaluated: 2024-01-09. Review status: criteria provided, single submitter. Criteria: Invitae Variant Classification Sherloc (09022015). Collection method: clinical testing. Allele origin: germline. Not counted in ClinVar's aggregate classification.
Comment: This sequence change replaces tyrosine, which is neutral and polar, with histidine, which is basic and polar, at codon 112 of the VHL protein (p.Tyr112His). This variant is not present in population databases (gnomAD no frequency). This missense change has been observed in individuals with pheochromocytoma in two families and has been found in an independent family affected with the same condition (PMID: 7728151, 8863170, 21204227). It has also been observed to segregate with disease in related individuals. This variant is also known as c.547T>C, p.Y111H. ClinVar contains an entry for this variant (Variation ID: 2222). Advanced modeling of protein sequence and biophysical properties (such as structural, functional, and spatial information, amino acid conservation, physicochemical variation, residue mobility, and thermodynamic stability) performed at Invitae indicates that this missense variant is expected to disrupt VHL protein function with a positive predictive value of 95%. Experimental studies have shown that this missense change affects VHL function (PMID: 15574766, 19030229, 24002598). This variant disrupts the p.Tyr112 amino acid residue in VHL. Other variant(s) that disrupt this residue have been determined to be pathogenic (PMID: 10533030, 11331613, 19602254). This suggests that this residue is clinically significant, and that variants that disrupt this residue are likely to be disease-causing. For these reasons, this variant has been classified as Pathogenic.

Institute for Genomic Medicine (IGM) Clinical Laboratory, Nationwide Children's Hospital
Classification: Pathogenic for Von Hippel-Lindau syndrome. Last evaluated: 2023-10-17. Review status: criteria provided, single submitter. Criteria: ACMG Guidelines, 2015. Collection method: clinical testing. Allele origin: germline. Not counted in ClinVar's aggregate classification.
Comment: Well-established functional studies have demonstrated this variant to have a damaging effect on protein function or splicing (ACMG/AMP: PS3; PMIDs:15574766, 19030229). This variant has been reported at an elevated frequency in affected individuals/in multiple affected individuals in the literature (ACMG/AMP: PS4; PMIDs:7728151, 8863170, 21204227). This variant is absent from or present at an exceedingly low frequency in gnomAD, a large-scale control population database (ACMG/AMP: PM2). A different substitution at this amino acid position has been reported as pathogenic (ACMG/AMP: PM5). This variant is predicted to alter protein function or structure, or disrupt splicing by multiple in silico tools (ACMG/AMP: PP3).

PreventionGenetics, part of Exact Sciences
Classification: Pathogenic for VHL-related condition. Last evaluated: 2023-05-05. Review status: criteria provided, single submitter. Criteria: ACMG Guidelines, 2015. Collection method: clinical testing. Allele origin: germline. Not counted in ClinVar's aggregate classification.
Comment: The VHL c.334T>C variant is predicted to result in the amino acid substitution p.Tyr112His. This variant also described using legacy nomenclature as c.547T>C, p.Y111H; has been well-documented to be pathogenic for Type 2A von Hippel-Lindau disease (VHL) with pheochromocytoma (Chen et al. 1995. PubMed ID: 7728151; Zbar et al. 1996. PubMed ID: 8956040; Nielsen et al. 2011. PubMed ID: 21204227). Functional studies showed that this variant affects VHL function (Rathmell et al. 2004. PubMed ID: 15574766; Hacker et al. 2008. PubMed ID: 19030229). This variant has not been reported in a large population database, indicating this variant is rare. This variant is interpreted as pathogenic.

Women's Health and Genetics/Laboratory Corporation of America, LabCorp
Classification: Pathogenic for Von Hippel-Lindau syndrome. Last evaluated: 2018-09-28. Review status: criteria provided, single submitter. Criteria: LabCorp Variant Classification Summary - May 2015. Collection method: clinical testing. Allele origin: germline. Not counted in ClinVar's aggregate classification.
Comment: Variant summary: VHL c.334T>C (p.Tyr112His) results in a conservative amino acid change located in the von Hippel-Lindau disease tumour suppressor, beta/alpha domain of the encoded protein sequence. Four of five in-silico tools predict a damaging effect of the variant on protein function. The variant was absent in 217656 control chromosomes. c.334T>C has been reported in the literature in multiple individuals affected with Von Hippel-Lindau Syndrome including a large kindred comprised of 107 people with or at-risk for VHL, of whom 49 have been diagnosed and 35/49 (71%) are clinically affected (Nielsen_2011). No clinical diagnostic laboratories have submitted clinical-significance assessments for this variant to ClinVar after 2014. Based on the evidence outlined above, the variant was classified as pathogenic.

Genomic Diagnostic Laboratory, Division of Genomic Diagnostics, Children's Hospital of Philadelphia
Classification: Pathogenic for von Hippel-Lindau syndrome. Last evaluated: 2018-08-01. Review status: criteria provided, single submitter. Criteria: DGD Variant Analysis Guidelines. Collection method: clinical testing. Allele origin: germline. Affected: yes. Observed: 4 variant alleles. Not counted in ClinVar's aggregate classification.

OMIM
Classification: Pathogenic for VON HIPPEL-LINDAU SYNDROME. Last evaluated: 1996-01-01. Review status: no assertion criteria provided. Collection method: literature only. Allele origin: germline. Not counted in ClinVar's aggregate classification.

Literature cited by the submitters: PubMed 21713522 (cited by Myriad Genetics, Inc. and Women's Health and Genetics/Laboratory Corporation of America, LabCorp); PubMed 8863170 (cited by 5 submitters); PubMed 18580449 (cited by Myriad Genetics, Inc.); PubMed 22517557 (cited by Myriad Genetics, Inc.); PubMed 19238077 (cited by Myriad Genetics, Inc.); PubMed 15574766 (cited by 4 submitters); PubMed 19030229 (cited by 4 submitters); PubMed 21204227 (cited by 3 submitters); PubMed 7728151 (cited by 4 submitters); PubMed 8239848 (cited by Ambry Genetics and OMIM); PubMed 24002598 (cited by Labcorp Genetics (formerly Invitae), Labcorp); PubMed 10533030 (cited by Labcorp Genetics (formerly Invitae), Labcorp); PubMed 11331613 (cited by Labcorp Genetics (formerly Invitae), Labcorp); PubMed 19602254 (cited by Labcorp Genetics (formerly Invitae), Labcorp); PubMed 8956040 (cited by Women's Health and Genetics/Laboratory Corporation of America, LabCorp and OMIM); PubMed 13985160 (cited by OMIM).